The following is an entry in ClinVar:

NM_000038.6(APC):c.646-966C>G

Gene: APC (APC regulator of WNT signaling pathway; plus strand). Cytogenetic location: 5q22.2.
Variant type: single nucleotide variant.
Coding change: c.646-966C>G on transcript NM_000038.6 (MANE Select); 966 bases into the intron before coding-DNA position 646, C replaced by G.
Molecular consequence: intron variant.
Genome position (GRCh38, 1-based): chr5:112,791,480, C>G. VCF-style: chr5-112791480-C-G. GRCh37 (hg19) VCF-style: chr5-112127177-C-G.
Other names: c.646-966C>G (NM_001354895.2, NM_001127510.3, NM_001354896.2 and 1 more transcripts); c.676-966C>G (NM_001354897.2, NM_001354902.2); c.676-9799C>G (NM_001127511.3); c.571-966C>G (NM_001354898.2, NM_001354904.2); c.-390-966C>G (NM_001354906.2); c.646-9799C>G (NM_001354899.2); c.469-966C>G (NM_001354900.2, NM_001354901.2, NM_001354905.2).
Identifiers: ClinVar variation 82474 (VCV000082474.2), dbSNP rs77050639, ClinGen allele CA012178.

ClinVar aggregate classification (germline): other (0 of 4 stars; one submission).

Conditions:
Familial colorectal cancer. Identifiers: MedGen CN280943, MONDO:0023113. Disease mechanism: loss of function.

Submission:

Systems Biology Platform Zhejiang California International NanoSystems Institute
Classification: other for Familial colorectal cancer. Review status: no assertion criteria provided. Collection method: not provided. Allele origin: unknown.
ClinVar note: Converted during submission from cancer to other.